The following is an entry in ClinVar:

NM_001366145.2(TRPM3):c.3267C>T (p.Ile1089=)

Gene: TRPM3 (transient receptor potential cation channel subfamily M member 3; minus strand). Cytogenetic location: 9q21.12.
Variant type: single nucleotide variant.
Coding change: c.3267C>T on transcript NM_001366145.2 (MANE Select); coding-DNA position 3267, C replaced by T.
Protein change: p.Ile1089=; no amino-acid change (isoleucine 1089 retained).
Molecular consequence: synonymous variant.
Genome position (GRCh38, 1-based): chr9:70,553,267, G>A on the plus strand (C>T on the coding strand, the complement: TRPM3 is on the minus strand). VCF-style: chr9-70553267-G-A. GRCh37 (hg19) VCF-style: chr9-73168183-G-A.
Other names: c.3231C>T, p.Ile1077= (NM_001007471.4, NM_001366151.2); c.3237C>T, p.Ile1079= (NM_001366141.2, NM_001366143.2, NM_001366149.2); c.3273C>T, p.Ile1091= (NM_001366142.2); c.3267C>T, p.Ile1089= (NM_001366146.2); c.3342C>T, p.Ile1114= (NM_001366147.2, NM_001366152.2); c.3312C>T, p.Ile1104= (NM_001366148.2); c.3201C>T, p.Ile1067= (NM_001366150.2); c.2808C>T, p.Ile936= (NM_001366154.2, NM_024971.7); and 5 more.
Identifiers: ClinVar variation 4821036 (VCV004821036.4).

ClinVar aggregate classification (germline): Likely benign (1 of 4 stars; one submission).

gnomAD v4.1: 71 of 1,613,988 alleles (0.0044%); highest among the groups gnomAD compares: Non-Finnish European, 0.0058%; no homozygotes.

Submission:

CeGaT Center for Human Genetics Tuebingen
Classification: Likely benign. Last evaluated: 2026-02-01. Review status: criteria provided, single submitter. Criteria: CeGaT Center For Human Genetics Tuebingen Variant Classification Criteria Version 2. Collection method: clinical testing. Allele origin: germline. Affected: yes. Observed: 1 variant allele.
Comment: TRPM3: BP4, BP7